The following is an entry in ClinVar:

NM_001042492.3(NF1):c.5185G>A (p.Ala1729Thr)

Gene: NF1 (neurofibromin 1; plus strand). Cytogenetic location: 17q11.2.
Variant type: single nucleotide variant.
Coding change: c.5185G>A on transcript NM_001042492.3 (MANE Select); coding-DNA position 5185, G replaced by A.
Protein change: p.Ala1729Thr; replaces alanine 1729 with threonine.
Molecular consequence: missense variant.
Genome position (GRCh38, 1-based): chr17:31,326,169, G>A. VCF-style: chr17-31326169-G-A. GRCh37 (hg19) VCF-style: chr17-29653187-G-A.
Other names: c.5122G>A, p.Ala1708Thr (NM_000267.4); short protein forms A1708T, A1729T.
Identifiers: ClinVar variation 4022840 (VCV004022840.1).

ClinVar aggregate classification (germline): Uncertain significance (1 of 4 stars; one submission).

Conditions:
Cardiovascular phenotype. Identifiers: MedGen CN230736.
Hereditary cancer-predisposing syndrome. Also called: Tumor predisposition; Hereditary neoplastic syndrome; Neoplastic Syndromes, Hereditary; Hereditary Cancer Syndrome. Identifiers: Orphanet 140162, MedGen C0027672, MeSH D009386, MONDO:0015356.

Submission:

Ambry Genetics
Classification: Uncertain significance for Cardiovascular phenotype; Hereditary cancer-predisposing syndrome. Last evaluated: 2025-04-23. Review status: criteria provided, single submitter. Criteria: Ambry Variant Classification Scheme 2023. Collection method: clinical testing. Allele origin: germline.
Comment: The p.A1708T variant (also known as c.5122G>A), located in coding exon 36 of the NF1 gene, results from a G to A substitution at nucleotide position 5122. The alanine at codon 1708 is replaced by threonine, an amino acid with similar properties. This amino acid position is highly conserved in available vertebrate species. In addition, the in silico prediction for this alteration is inconclusive. Based on the available evidence, the clinical significance of this variant remains unclear.